The following is an entry in ClinVar:

NM_001034116.2(EIF2B4):c.1098G>T (p.Trp366Cys)

Genes: EIF2B4 (eukaryotic translation initiation factor 2B subunit delta; minus strand), GTF3C2-AS2 (GTF3C2 antisense RNA 2; plus strand). Cytogenetic location: 2p23.3.
Variant type: single nucleotide variant.
Coding change: c.1098G>T on transcript NM_001034116.2 (MANE Select); coding-DNA position 1098, G replaced by T.
Protein change: p.Trp366Cys; replaces tryptophan 366 with cysteine.
Molecular consequence: missense variant.
Genome position (GRCh38, 1-based): chr2:27,366,852, C>A on the plus strand (G>T on the coding strand, the complement: EIF2B4 is on the minus strand). VCF-style: chr2-27366852-C-A. GRCh37 (hg19) VCF-style: chr2-27589719-C-A.
Other names: c.1161G>T, p.Trp387Cys (NM_001318965.2); c.1053G>T, p.Trp351Cys (NM_001318966.2); c.1005G>T, p.Trp335Cys (NM_001318967.2); c.513G>T, p.Trp171Cys (NM_001318968.2); c.480G>T, p.Trp160Cys (NM_001318969.2); c.1095G>T, p.Trp365Cys (NM_015636.4); c.1158G>T, p.Trp386Cys (NM_172195.4); short protein forms W386C, W160C, W387C, W335C, W351C, W366C, W171C, W365C.
Identifiers: ClinVar variation 1483427 (VCV001483427.6), dbSNP rs2148373119, ClinGen allele CA346197956.
Genomic context (GRCh38, chr2:27,366,852, plus strand): 5'-CAGGTAGGAGGCTGGGACACCAGCATGGACTAGAGAACGTAGTGTGTGCCTTCCTTCCAG[C>A]CATGGCCGGCTGTCCACCACTACCACCCGAAACCGCCGGCCCTCTGTCCAAGCCTCCTGA-3'
Protein context (NP_001029288.1, residues 356-376): FRVVVVDSRP[Trp366Cys]LEGRHTLRSL

ClinVar aggregate classification (germline): Uncertain significance (1 of 4 stars; one submission).

Submission:

Labcorp Genetics (formerly Invitae), Labcorp
Classification: Uncertain significance. Last evaluated: 2025-01-27. Review status: criteria provided, single submitter. Criteria: Invitae Variant Classification Sherloc (09022015). Collection method: clinical testing. Allele origin: germline.
Comment: This sequence change replaces tryptophan, which is neutral and slightly polar, with cysteine, which is neutral and slightly polar, at codon 365 of the EIF2B4 protein (p.Trp365Cys). This variant is not present in population databases (gnomAD no frequency). This variant has not been reported in the literature in individuals affected with EIF2B4-related conditions. ClinVar contains an entry for this variant (Variation ID: 1483427). An algorithm developed to predict the effect of missense changes on protein structure and function (PolyPhen-2) suggests that this variant is likely to be tolerated. In summary, the available evidence is currently insufficient to determine the role of this variant in disease. Therefore, it has been classified as a Variant of Uncertain Significance.